The following is an entry in ClinVar:

NM_020163.3(SEMA3G):c.821C>T (p.Ala274Val)

Gene: SEMA3G (semaphorin 3G; minus strand). Cytogenetic location: 3p21.1.
Variant type: single nucleotide variant.
Coding change: c.821C>T on transcript NM_020163.3 (MANE Select); coding-DNA position 821, C replaced by T.
Protein change: p.Ala274Val; replaces alanine 274 with valine.
Molecular consequence: missense variant.
Genome position (GRCh38, 1-based): chr3:52,441,041, G>A on the plus strand (C>T on the coding strand, the complement: SEMA3G is on the minus strand). VCF-style: chr3-52441041-G-A. GRCh37 (hg19) VCF-style: chr3-52475057-G-A.
Other names: short protein forms A274V.
Identifiers: ClinVar variation 3055223 (VCV003055223.4), dbSNP rs146544722, ClinGen allele CA2438177.

ClinVar aggregate classification (germline): Likely benign. Review status: criteria provided, multiple submitters, no conflicts (2 of 4 stars). 2 submissions from 2 submitters: Likely benign (2). Last evaluated 2026-01-26.

Conditions:
SEMA3G-related disorder. Also called: SEMA3G-related condition.

Allele frequency attached by ClinVar (database versions not stated): ESP Exome Variant Server 0.00008; gnomAD 0.00009; TOPMed 0.00033; ExAC 0.00051.
gnomAD v4.1: 165 of 1,593,966 alleles (0.01%); highest among the groups gnomAD compares: Admixed American, 0.14%; 1 homozygote.

Submissions (2):

PreventionGenetics, part of Exact Sciences
Classification: Likely benign for SEMA3G-related condition. Last evaluated: 2026-01-26. Review status: criteria provided, single submitter. Criteria: ACMG Guidelines, 2015. Collection method: clinical testing. Allele origin: germline.
Comment: This variant is classified as likely benign based on ACMG/AMP sequence variant interpretation guidelines (Richards et al. 2015 PMID: 25741868, with internal and published modifications).

Breakthrough Genomics
Classification: Likely benign. Review status: criteria provided, single submitter. Criteria: ACMG Guidelines, 2015. Collection method: not provided. Allele origin: germline. Inheritance: Unknown mechanism. Affected: yes.